The following is an entry in ClinVar:

NM_203475.3(PORCN):c.313A>G (p.Ile105Val)

Gene: PORCN (porcupine O-acyltransferase; plus strand). Cytogenetic location: Xp11.23.
Variant type: single nucleotide variant.
Coding change: c.313A>G on transcript NM_203475.3 (MANE Select); coding-DNA position 313, A replaced by G.
Protein change: p.Ile105Val; replaces isoleucine 105 with valine.
Molecular consequence: missense variant. On other transcripts: non-coding transcript variant (2).
Genome position (GRCh38, 1-based): chrX:48,511,471, A>G. VCF-style: chrX-48511471-A-G. GRCh37 (hg19) VCF-style: chrX-48369859-A-G.
Other names: c.100A>G, p.Ile34Val (NM_001282167.2); c.652A>G, p.Ile218Val (NM_001441333.1, NM_001441334.1); c.418A>G, p.Ile140Val (NM_001441335.1); c.505A>G, p.Ile169Val (NM_001441336.1); c.313A>G, p.Ile105Val (NM_022825.4, NM_203473.3, NM_203474.1); short protein forms I105V, I140V, I169V, I218V, I34V.
Identifiers: ClinVar variation 4885553 (VCV004885553.2).

ClinVar aggregate classification (germline): Uncertain significance (1 of 4 stars; one submission).

Submission:

Dasa
Classification: Uncertain significance. Last evaluated: 2025-08-28. Review status: criteria provided, single submitter. Criteria: DASA Assertion Criteria. Collection method: clinical testing. Allele origin: germline.
Comment: NM_203475.3(PORCN):c.313A>G (p.Ile105Val) is a missense variant that results in the substitution of isoleucine with valine. This variant is rare in population databases. The currently available literature and clinical evidence are not sufficient to establish a definitive association between this variant and the reported condition. Therefore, this variant is classified as a variant of uncertain significance.